The following is an entry in ClinVar:

NM_030962.4(SBF2):c.3978+152T>C

Gene: SBF2 (SET binding factor 2; minus strand). Cytogenetic location: 11p15.4.
Variant type: single nucleotide variant.
Coding change: c.3978+152T>C on transcript NM_030962.4 (MANE Select); 152 bases into the intron after coding-DNA position 3978, T replaced by C.
Molecular consequence: intron variant.
Genome position (GRCh38, 1-based): chr11:9,816,688, A>G on the plus strand (T>C on the coding strand, the complement: SBF2 is on the minus strand). VCF-style: chr11-9816688-A-G. GRCh37 (hg19) VCF-style: chr11-9838235-A-G.
Other names: c.3849+152T>C (NM_001386342.1); c.4074+152T>C (NM_001386339.1).
Identifiers: ClinVar variation 669262 (VCV000669262.1), dbSNP rs7937716, ClinGen allele CA217624351.

ClinVar aggregate classification (germline): Benign (1 of 4 stars; one submission).

Allele frequency attached by ClinVar (database versions not stated): 1000 Genomes Project 0.34505; 1000 Genomes Project 30x 0.34588; TOPMed 0.48516; gnomAD 0.51451 and 0.52057.
gnomAD v4.1: 293,320 of 501,232 alleles (59%); highest among the groups gnomAD compares: Non-Finnish European, 68%; 93,266 homozygotes.

Submission:

GeneDx
Classification: Benign. Last evaluated: 2018-06-14. Review status: criteria provided, single submitter. Criteria: GeneDx Variant Classification (06012015). Collection method: clinical testing. Allele origin: germline. Affected: yes.
Comment: This variant is considered likely benign or benign based on one or more of the following criteria: it is a conservative change, it occurs at a poorly conserved position in the protein, it is predicted to be benign by multiple in silico algorithms, and/or has population frequency not consistent with disease.